The following is an entry in ClinVar:

ClinVar aggregate classification (germline): Conflicting classifications of pathogenicity. Review status: criteria provided, conflicting classifications (1 of 4 stars). 2 submissions from 2 submitters: Uncertain significance (1); Likely benign (1). Last evaluated 2022-09-23.

Conditions:
Inborn genetic diseases. Identifiers: MedGen C0950123, MeSH D030342.
Familial episodic pain syndrome with predominantly lower limb involvement. Also called: Episodic pain syndrome, familial, 3. Identifiers: Orphanet 391384, Orphanet 391392, MedGen C3809899, MONDO:0014247, OMIM 615552.
Hereditary sensory and autonomic neuropathy type 7. Also called: HSAN VII; Neuropathy, hereditary sensory and autonomic, type VII. Identifiers: Orphanet 391397, MedGen C3809882, MONDO:0014244, OMIM 615548.

Allele frequency attached by ClinVar (database versions not stated): gnomAD exomes 0.00002 and 0.00006; gnomAD 0.00003; ExAC 0.00004; TOPMed 0.00005; ESP Exome Variant Server 0.00008.
gnomAD v4.1: 39 of 1,613,218 alleles (0.0024%); highest among the groups gnomAD compares: Admixed American, 0.0033%; no homozygotes.

Submissions (2):

Labcorp Genetics (formerly Invitae), Labcorp
Classification: Uncertain significance for Familial episodic pain syndrome with predominantly lower limb involvement; Hereditary sensory and autonomic neuropathy type 7. Last evaluated: 2022-09-23. Review status: criteria provided, single submitter. Criteria: Invitae Variant Classification Sherloc (09022015). Collection method: clinical testing. Allele origin: germline.
Comment: In summary, the available evidence is currently insufficient to determine the role of this variant in disease. Therefore, it has been classified as a Variant of Uncertain Significance. Advanced modeling of protein sequence and biophysical properties (such as structural, functional, and spatial information, amino acid conservation, physicochemical variation, residue mobility, and thermodynamic stability) performed at Invitae indicates that this missense variant is not expected to disrupt SCN11A protein function. ClinVar contains an entry for this variant (Variation ID: 948631). This variant has not been reported in the literature in individuals affected with SCN11A-related conditions. The frequency data for this variant in the population databases is considered unreliable, as metrics indicate poor data quality at this position in the gnomAD database. This sequence change replaces cysteine, which is neutral and slightly polar, with arginine, which is basic and polar, at codon 1029 of the SCN11A protein (p.Cys1029Arg).

Ambry Genetics
Classification: Likely benign for Inborn genetic diseases. Last evaluated: 2021-05-11. Review status: criteria provided, single submitter. Criteria: Ambry Variant Classification Scheme 2023. Collection method: clinical testing. Allele origin: germline.

NM_001349253.2(SCN11A):c.3085T>C (p.Cys1029Arg)

Gene: SCN11A (sodium voltage-gated channel alpha subunit 11; minus strand). Cytogenetic location: 3p22.2.
Variant type: single nucleotide variant.
Coding change: c.3085T>C on transcript NM_001349253.2 (MANE Select); coding-DNA position 3085, T replaced by C.
Protein change: p.Cys1029Arg; replaces cysteine 1029 with arginine.
Molecular consequence: missense variant.
Genome position (GRCh38, 1-based): chr3:38,883,367, A>G on the plus strand (T>C on the coding strand, the complement: SCN11A is on the minus strand). VCF-style: chr3-38883367-A-G. GRCh37 (hg19) VCF-style: chr3-38924858-A-G.
Other names: c.3085T>C, p.Cys1029Arg (NM_014139.3); short protein forms C1029R.
Identifiers: ClinVar variation 948631 (VCV000948631.10), dbSNP rs373315455, ClinGen allele CA2321873.